The following is an entry in ClinVar:

ClinVar aggregate classification (germline): Uncertain significance (1 of 4 stars; one submission).

Conditions:
Familial adenomatous polyposis 1 (FAP1). Also called: FAMILIAL ADENOMATOUS POLYPOSIS 1, ATTENUATED; POLYPOSIS, ADENOMATOUS INTESTINAL. Identifiers: MedGen C2713442, MONDO:0021056, OMIM 175100. Disease mechanism: loss of function.

Submission:

Labcorp Genetics (formerly Invitae), Labcorp
Classification: Uncertain significance for Familial adenomatous polyposis 1. Last evaluated: 2020-02-25. Review status: criteria provided, single submitter. Criteria: Invitae Variant Classification Sherloc (09022015). Collection method: clinical testing. Allele origin: germline.
Comment: This sequence change replaces serine with tyrosine at codon 2125 of the APC protein (p.Ser2125Tyr). The serine residue is highly conserved and there is a large physicochemical difference between serine and tyrosine. This variant is not present in population databases (ExAC no frequency). This variant has not been reported in the literature in individuals with APC-related conditions. Algorithms developed to predict the effect of missense changes on protein structure and function are either unavailable or do not agree on the potential impact of this missense change (SIFT: "Deleterious"; PolyPhen-2: "Probably Damaging"; Align-GVGD: "Class C0"). In summary, the available evidence is currently insufficient to determine the role of this variant in disease. Therefore, it has been classified as a Variant of Uncertain Significance.

NM_000038.6(APC):c.6374C>A (p.Ser2125Tyr)

Gene: APC (APC regulator of Wnt signaling pathway; plus strand). Cytogenetic location: 5q22.2.
Variant type: single nucleotide variant.
Coding change: c.6374C>A on transcript NM_000038.6 (MANE Select); coding-DNA position 6374, C replaced by A.
Protein change: p.Ser2125Tyr; replaces serine 2125 with tyrosine.
Molecular consequence: missense variant.
Genome position (GRCh38, 1-based): chr5:112,841,968, C>A. VCF-style: chr5-112841968-C-A. GRCh37 (hg19) VCF-style: chr5-112177665-C-A.
Other names: c.6374C>A, p.Ser2125Tyr (NM_001127510.3, NM_001354895.2); c.6320C>A, p.Ser2107Tyr (NM_001127511.3); c.6428C>A, p.Ser2143Tyr (NM_001354896.2); c.6404C>A, p.Ser2135Tyr (NM_001354897.2); c.6299C>A, p.Ser2100Tyr (NM_001354898.2); c.6290C>A, p.Ser2097Tyr (NM_001354899.2); c.6251C>A, p.Ser2084Tyr (NM_001354900.2); c.6197C>A, p.Ser2066Tyr (NM_001354901.2); and 5 more; short protein forms S1842Y, S1965Y, S1999Y, S2024Y, S2034Y, S2066Y, S2084Y, S2097Y.
Identifiers: ClinVar variation 1008146 (VCV001008146.48), dbSNP rs759624605, ClinGen allele CA16035289.